The following is an entry in ClinVar:

NM_015132.5(SNX13):c.1152A>G (p.Leu384=)

Gene: SNX13 (sorting nexin 13; minus strand). Cytogenetic location: 7p21.1.
Variant type: single nucleotide variant.
Coding change: c.1152A>G on transcript NM_015132.5 (MANE Select); coding-DNA position 1152, A replaced by G.
Protein change: p.Leu384=; no amino-acid change (leucine 384 retained).
Molecular consequence: synonymous variant. On other transcripts: non-coding transcript variant (2).
Genome position (GRCh38, 1-based): chr7:17,845,608, T>C on the plus strand (A>G on the coding strand, the complement: SNX13 is on the minus strand). VCF-style: chr7-17845608-T-C. GRCh37 (hg19) VCF-style: chr7-17885231-T-C.
Other names: c.1152A>G, p.Leu384= (NM_001350862.2, NM_001350868.2); c.912A>G, p.Leu304= (NM_001350863.2); c.846A>G, p.Leu282= (NM_001350864.2, NM_001350865.1); c.543A>G, p.Leu181= (NM_001350866.2, NM_001350867.2).
Identifiers: ClinVar variation 2657329 (VCV002657329.24), dbSNP rs200234752, ClinGen allele CA4172811.

ClinVar aggregate classification (germline): Likely benign (1 of 4 stars; one submission).

Allele frequency attached by ClinVar (database versions not stated): gnomAD exomes 0.00009; ExAC 0.00024; 1000 Genomes Project 0.00040; TOPMed 0.00051; gnomAD 0.00058; ESP Exome Variant Server 0.00068; 1000 Genomes Project 30x 0.00078.
gnomAD v4.1: 226 of 1,587,594 alleles (0.014%); highest among the groups gnomAD compares: Middle Eastern, 0.25%; 4 homozygotes.

Submission:

CeGaT Center for Human Genetics Tuebingen
Classification: Likely benign. Last evaluated: 2022-07-01. Review status: criteria provided, single submitter. Criteria: CeGaT Center For Human Genetics Tuebingen Variant Classification Criteria Version 2. Collection method: clinical testing. Allele origin: germline. Affected: yes. Observed: 1 variant allele.
Comment: SNX13: BP4, BP7